The following is an entry in ClinVar:

NM_206926.2(SELENON):c.842G>A (p.Gly281Asp)

Gene: SELENON (selenoprotein N; plus strand). Cytogenetic location: 1p36.11.
Variant type: single nucleotide variant.
Coding change: c.842G>A on transcript NM_206926.2 (MANE Select); coding-DNA position 842, G replaced by A.
Protein change: p.Gly281Asp; replaces glycine 281 with aspartic acid.
Molecular consequence: missense variant.
Genome position (GRCh38, 1-based): chr1:25,809,754, G>A. VCF-style: chr1-25809754-G-A. GRCh37 (hg19) VCF-style: chr1-26136245-G-A.
Other names: c.944G>A, p.Gly315Asp (NM_020451.3); short protein forms G281D, G315D.
Identifiers: ClinVar variation 3907156 (VCV003907156.1).

ClinVar aggregate classification (germline): Likely pathogenic (1 of 4 stars; one submission).

Conditions:
Eichsfeld type congenital muscular dystrophy (CMYO3). Also called: MYOPATHY, SEPN1-RELATED; Rigid spine muscular dystrophy 1; SELENON-related myopathy; Congenital myopathy 3 with rigid spine. Identifiers: MedGen C0410180, MONDO:0100100, OMIM 602771.

gnomAD v4.1: 7 of 1,614,056 alleles (0.00043%); highest among the groups gnomAD compares: Non-Finnish European, 0.00059%; no homozygotes.

Submission:

Women's Health and Genetics/Laboratory Corporation of America, LabCorp
Classification: Likely pathogenic for Eichsfeld type congenital muscular dystrophy. Last evaluated: 2025-06-13. Review status: criteria provided, single submitter. Criteria: LabCorp Variant Classification Summary - May 2015. Collection method: clinical testing. Allele origin: germline.
Comment: Variant summary: SELENON c.944G>A (p.Gly315Asp) results in a non-conservative amino acid change in the encoded protein sequence. Algorithms developed to predict the effect of missense changes on protein structure and function all suggest that this variant is likely to be disruptive. The variant was absent in 249510 control chromosomes. c.944G>A has been observed in individual(s) affected with selenoprotein-related myopathy (example: Scoto_2011). These data indicate that the variant may be associated with disease. A different variant affecting the same codon has been classified as pathogenic by our lab (c.943G>A, p.Gly315Ser), supporting the critical relevance of codon 315 to SELENON protein function. To our knowledge, no experimental evidence demonstrating an impact on protein function has been reported. No submitters have cited clinical-significance assessments for this variant to ClinVar. Based on the evidence outlined above, the variant was classified as likely pathogenic.

Literature cited by the submitters: PubMed 21670436.